The following is an entry in ClinVar:

ClinVar aggregate classification (germline): Likely pathogenic (1 of 4 stars; one submission).

Conditions:
Alzheimer disease 3 (AD3). Also called: ALZHEIMER DISEASE, FAMILIAL, 3. Identifiers: Orphanet 1020, MedGen C1843013, MONDO:0011913, OMIM 607822.

Submission:

Clinical Omics and Informatics (COIN) Unit, Neuroscience Institute, University Of Cape Town
Classification: Likely pathogenic for Alzheimer disease 3. Last evaluated: 2024-05-22. Review status: criteria provided, single submitter. Criteria: ACMG Guidelines, 2015. Collection method: research. Allele origin: germline. Inheritance: Autosomal dominant inheritance. Affected: yes. Observed: 1 variant allele, 1 heterozygote.
Comment: PM2_supporting: This variant is absent from gnomAD v4.0 (adequate coverage >20x confirmed) and an internal database of 1074 control alleles. PP3_strong: REVEL score is 0.98. PM1 not met: pathogenic variants appear to be distributed throughout the gene. PM5 met: PSEN1 p.Arg278Ile and p.Arg278Thr classified as pathogenic. Sequencing funded by the Clinical Research in ALS and Related Disorders for Therapeutic Development (CReATe) Consortium.

Literature cited by the submitters: PubMed 37712079.

NM_000021.4(PSEN1):c.832A>G (p.Arg278Gly)

Gene: PSEN1 (presenilin 1; plus strand). Cytogenetic location: 14q24.2.
Variant type: single nucleotide variant.
Coding change: c.832A>G on transcript NM_000021.4 (MANE Select); coding-DNA position 832, A replaced by G.
Protein change: p.Arg278Gly; replaces arginine 278 with glycine.
Molecular consequence: missense variant.
Genome position (GRCh38, 1-based): chr14:73,198,093, A>G. VCF-style: chr14-73198093-A-G. GRCh37 (hg19) VCF-style: chr14-73664801-A-G.
Other names: c.820A>G, p.Arg274Gly (NM_007318.3); short protein forms R274G, R278G.
Identifiers: ClinVar variation 2504614 (VCV002504614.6), dbSNP rs2502958678, ClinGen allele CA390302132.